The following is an entry in ClinVar:

NC_000006.11:g.(?_146056334)_(146056634_?)del

Gene: EPM2A (EPM2A glucan phosphatase, laforin; minus strand). Cytogenetic location: 6q24.3.
Variant type: Deletion.
Identifiers: ClinVar variation 1456100 (VCV001456100.7).

ClinVar aggregate classification (germline): Pathogenic (1 of 4 stars; one submission).

Conditions:
Progressive myoclonic epilepsy. Also called: Familial progressive myoclonic epilepsy; Myoclonic Epilepsies, Progressive; Myoclonus epilepsy; Progressive myoclonus epilepsy. Identifiers: Orphanet 308, Orphanet 98261, MedGen C0751778, MONDO:0020074.

Submission:

Labcorp Genetics (formerly Invitae), Labcorp
Classification: Pathogenic for Progressive myoclonic epilepsy. Last evaluated: 2021-01-21. Review status: criteria provided, single submitter. Criteria: Invitae Variant Classification Sherloc (09022015). Collection method: clinical testing. Allele origin: germline.
Comment: For these reasons, this variant has been classified as Pathogenic. A similar deletion has been observed in individual(s) with progressive myoclonus epilepsy, Lafora type (PMID: 11175283). This variant is a gross deletion of the genomic region encompassing exon(s) 1 of the EPM2A gene, which includes the initiator codon. The 5' end of this event is unknown as it extends beyond the assayed region for this gene and therefore may encompass additional genes. The 3' boundary is likely confined to intron 1 of the EPM2A gene. It is expected to result in an absent or disrupted protein product. Loss-of-function variants in EPM2A are known to be pathogenic (PMID: 20738377).

Literature cited by the submitters: PubMed 11175283; PubMed 20738377.